The following is an entry in ClinVar:

ClinVar aggregate classification (germline): Uncertain significance (1 of 4 stars; one submission).

Conditions:
ARID1A-related disorder. Also called: ARID1A-related condition.

Submission:

PreventionGenetics, part of Exact Sciences
Classification: Uncertain significance for ARID1A-related condition. Last evaluated: 2023-06-19. Review status: criteria provided, single submitter. Criteria: ACMG Guidelines, 2015. Collection method: clinical testing. Allele origin: germline.
Comment: The ARID1A c.3337C>T variant is predicted to result in the amino acid substitution p.Pro1113Ser. To our knowledge, this variant has not been reported in the literature or in a large population database, indicating this variant is rare. At this time, the clinical significance of this variant is uncertain due to the absence of conclusive functional and genetic evidence.

NM_006015.6(ARID1A):c.3337C>T (p.Pro1113Ser)

Gene: ARID1A (AT-rich interaction domain 1A; plus strand). Cytogenetic location: 1p36.11.
Variant type: single nucleotide variant.
Coding change: c.3337C>T on transcript NM_006015.6 (MANE Select); coding-DNA position 3337, C replaced by T.
Protein change: p.Pro1113Ser; replaces proline 1113 with serine.
Molecular consequence: missense variant.
Genome position (GRCh38, 1-based): chr1:26,771,257, C>T. VCF-style: chr1-26771257-C-T. GRCh37 (hg19) VCF-style: chr1-27097748-C-T.
Other names: c.3337C>T, p.Pro1113Ser (NM_139135.4); short protein forms P1113S.
Identifiers: ClinVar variation 2632518 (VCV002632518.1), dbSNP rs2124097899, ClinGen allele CA339165227.